The following is an entry in ClinVar:

ClinVar aggregate classification (germline): Likely pathogenic (1 of 4 stars; one submission).

Submission:

Labcorp Genetics (formerly Invitae), Labcorp
Classification: Likely pathogenic. Last evaluated: 2025-08-11. Review status: criteria provided, single submitter. Criteria: Invitae Variant Classification Sherloc (09022015). Collection method: clinical testing. Allele origin: germline.
Comment: This sequence change affects an acceptor splice site in intron 14 of the POLE gene. It is expected to disrupt RNA splicing. Variants that disrupt the donor or acceptor splice site typically lead to a loss of protein function (PMID: 16199547), and loss-of-function variants in POLE are known to be pathogenic (PMID: 23230001, 25948378, 30503519). This variant is not present in population databases (gnomAD no frequency). This variant has not been reported in the literature in individuals affected with POLE-related conditions. ClinVar contains an entry for this variant (Variation ID: 572857). Algorithms developed to predict the effect of sequence changes on RNA splicing suggest that this variant may disrupt the consensus splice site. In summary, the currently available evidence indicates that the variant is pathogenic, but additional data are needed to prove that conclusively. Therefore, this variant has been classified as Likely Pathogenic.

Literature cited by the submitters: PubMed 16199547; PubMed 23230001; PubMed 25948378; PubMed 30503519.

NM_006231.4(POLE):c.1474-1G>C

Gene: POLE (DNA polymerase epsilon, catalytic subunit; minus strand). Cytogenetic location: 12q24.33.
Variant type: single nucleotide variant.
Coding change: c.1474-1G>C on transcript NM_006231.4 (MANE Select); the canonical splice acceptor site of the intron before coding-DNA position 1474, G replaced by C.
Molecular consequence: splice acceptor variant.
Genome position (GRCh38, 1-based): chr12:132,672,840, C>G on the plus strand (G>C on the coding strand, the complement: POLE is on the minus strand). VCF-style: chr12-132672840-C-G. GRCh37 (hg19) VCF-style: chr12-133249426-C-G.
Identifiers: ClinVar variation 572857 (VCV000572857.9), dbSNP rs1565972026, ClinGen allele CA387357844.